The following is an entry in ClinVar:

ClinVar aggregate classification (germline): Conflicting classifications of pathogenicity. Review status: criteria provided, conflicting classifications (1 of 4 stars). 6 submissions from 6 submitters: Uncertain significance (5); Benign (1). Last evaluated 2026-02-25.

Conditions:
Inborn genetic diseases. Identifiers: MedGen C0950123, MeSH D030342.
COL11A1-related disorder. Also called: COL11A1-related condition; COL11A1-related disorders.

Allele frequency attached by ClinVar (database versions not stated): gnomAD exomes 0.00001 and 0.00005; TOPMed 0.00011; gnomAD 0.00012.
gnomAD v4.1: 35 of 1,613,482 alleles (0.0022%); highest among the groups gnomAD compares: Admixed American, 0.058%; no homozygotes.

Submissions (6):

PreventionGenetics, part of Exact Sciences
Classification: Uncertain significance for COL11A1-related condition. Last evaluated: 2026-02-25. Review status: criteria provided, single submitter. Criteria: ACMG Guidelines, 2015. Collection method: clinical testing. Allele origin: germline.
Comment: The COL11A1 c.1504G>T variant is predicted to result in the amino acid substitution p.Asp502Tyr. To our knowledge, this variant has not been reported in the literature. This variant is reported in 0.032% of alleles in individuals of Latino descent in gnomAD. At this time, the clinical significance of this variant is uncertain due to the absence of conclusive functional and genetic evidence.

Labcorp Genetics (formerly Invitae), Labcorp
Classification: Benign. Last evaluated: 2025-10-12. Review status: criteria provided, single submitter. Criteria: Invitae Variant Classification Sherloc (09022015). Collection method: clinical testing. Allele origin: germline.

GeneDx
Classification: Uncertain significance. Last evaluated: 2025-07-02. Review status: criteria provided, single submitter. Criteria: GeneDx Variant Classification Process June 2021. Collection method: clinical testing. Allele origin: germline. Affected: yes.
Comment: In silico analysis supports that this missense variant has a deleterious effect on protein structure/function; Has not been previously published as pathogenic or benign to our knowledge; Not located in the triple helical region, where the majority of pathogenic missense variants occur (HGMD; PMID: 25240749); This variant is associated with the following publications: (PMID: 25240749)

Ambry Genetics
Classification: Uncertain significance for Inborn genetic diseases. Last evaluated: 2024-05-12. Review status: criteria provided, single submitter. Criteria: Ambry Variant Classification Scheme 2023. Collection method: clinical testing. Allele origin: germline.

Blueprint Genetics
Classification: Uncertain significance. Last evaluated: 2022-09-07. Review status: criteria provided, single submitter. Criteria: ACMG Guidelines, 2015. Collection method: clinical testing. Allele origin: germline.

AiLife Diagnostics
Classification: Uncertain significance. Last evaluated: 2020-05-12. Review status: criteria provided, single submitter. Criteria: ACMG Guidelines, 2015. Collection method: clinical testing. Allele origin: germline. Affected: yes. Observed: 1 variant allele.

NM_001854.4(COL11A1):c.1504G>T (p.Asp502Tyr)

Gene: COL11A1 (collagen type XI alpha 1 chain; minus strand). Cytogenetic location: 1p21.1.
Variant type: single nucleotide variant.
Coding change: c.1504G>T on transcript NM_001854.4 (MANE Select); coding-DNA position 1504, G replaced by T.
Protein change: p.Asp502Tyr; replaces aspartic acid 502 with tyrosine.
Molecular consequence: missense variant. On other transcripts: non-coding transcript variant (1).
Genome position (GRCh38, 1-based): chr1:103,014,579, C>A on the plus strand (G>T on the coding strand, the complement: COL11A1 is on the minus strand). VCF-style: chr1-103014579-C-A. GRCh37 (hg19) VCF-style: chr1-103480135-C-A.
Other names: c.1387G>T, p.Asp463Tyr (NM_001190709.2); c.1540G>T, p.Asp514Tyr (NM_080629.3); c.1156G>T, p.Asp386Tyr (NM_080630.4); short protein forms D386Y, D463Y, D502Y, D514Y.
Identifiers: ClinVar variation 1345189 (VCV001345189.15), dbSNP rs1212773301, ClinGen allele CA341179218.